The following is an entry in ClinVar:

ClinVar aggregate classification (germline): Uncertain significance (1 of 4 stars; one submission).

Allele frequency attached by ClinVar (database versions not stated): gnomAD exomes below 0.00001.
gnomAD v4.1: 1 of 1,613,748 alleles (0.000062%); highest among the groups gnomAD compares: African/African-American, 0.0013%; no homozygotes.

Submission:

GeneDx
Classification: Uncertain significance. Last evaluated: 2022-09-15. Review status: criteria provided, single submitter. Criteria: GeneDx Variant Classification Process June 2021. Collection method: clinical testing. Allele origin: germline. Affected: yes.
Comment: Not observed at significant frequency in large population cohorts (gnomAD); In silico analysis supports that this missense variant has a deleterious effect on protein structure/function; Has not been previously published as pathogenic or benign to our knowledge

NM_015488.5(PNKD):c.394A>G (p.Ser132Gly)

Genes: CATIP-AS2 (CATIP antisense RNA 2; minus strand), PNKD (PNKD metallo-beta-lactamase domain containing; plus strand). Cytogenetic location: 2q35.
Variant type: single nucleotide variant.
Coding change: c.394A>G on transcript NM_015488.5 (MANE Select); coding-DNA position 394, A replaced by G.
Protein change: p.Ser132Gly; replaces serine 132 with glycine.
Molecular consequence: missense variant.
Genome position (GRCh38, 1-based): chr2:218,340,070, A>G. VCF-style: chr2-218340070-A-G. GRCh37 (hg19) VCF-style: chr2-219204793-A-G.
Other names: c.322A>G, p.Ser108Gly (NM_022572.5); short protein forms S108G, S132G.
Identifiers: ClinVar variation 2444579 (VCV002444579.1), dbSNP rs2469462996, ClinGen allele CA350538522.